The following is an entry in ClinVar:

ClinVar aggregate classification (germline): Uncertain significance. Review status: criteria provided, multiple submitters, no conflicts (2 of 4 stars). 2 submissions from 2 submitters: Uncertain significance (2). Last evaluated 2025-10-28.

Conditions:
Primary dilated cardiomyopathy (DCM). Also called: Dilated Cardiomyopathy. Identifiers: Orphanet 217604, MedGen C0007193, MeSH D002311, MONDO:0005021, HP:0001644. Inheritance: Various modes of inheritance.

Allele frequency attached by ClinVar (database versions not stated): TOPMed 0.00002; ESP Exome Variant Server 0.00015; gnomAD 0.00001; ExAC 0.00002.
gnomAD v4.1: 7 of 1,609,900 alleles (0.00043%); highest among the groups gnomAD compares: Non-Finnish European, 0.0006%; no homozygotes.

Submissions (2):

Labcorp Genetics (formerly Invitae), Labcorp
Classification: Uncertain significance for Primary dilated cardiomyopathy. Last evaluated: 2025-10-28. Review status: criteria provided, single submitter. Criteria: Invitae Variant Classification Sherloc (09022015). Collection method: clinical testing. Allele origin: germline.
Comment: This sequence change replaces glycine, which is neutral and non-polar, with arginine, which is basic and polar, at codon 759 of the NEBL protein (p.Gly759Arg). This variant is present in population databases (rs148179937, gnomAD 0.003%). This variant has not been reported in the literature in individuals affected with NEBL-related conditions. ClinVar contains an entry for this variant (Variation ID: 2885524). An algorithm developed to predict the effect of missense changes on protein structure and function (PolyPhen-2) suggests that this variant is likely to be disruptive. In summary, the available evidence is currently insufficient to determine the role of this variant in disease. Therefore, it has been classified as a Variant of Uncertain Significance.

Ambry Genetics
Classification: Uncertain significance. Last evaluated: 2024-07-11. Review status: criteria provided, single submitter. Criteria: Ambry Variant Classification Scheme 2023. Collection method: clinical testing. Allele origin: germline.
Comment: The p.G759R variant (also known as c.2275G>C), located in coding exon 23 of the NEBL gene, results from a G to C substitution at nucleotide position 2275. The glycine at codon 759 is replaced by arginine, an amino acid with dissimilar properties. This amino acid position is conserved. In addition, the in silico prediction for this alteration is inconclusive. Based on the available evidence, the clinical significance of this variant remains unclear.

NM_006393.3(NEBL):c.2275G>C (p.Gly759Arg)

Gene: NEBL (nebulette; minus strand). Cytogenetic location: 10p12.31.
Variant type: single nucleotide variant.
Coding change: c.2275G>C on transcript NM_006393.3 (MANE Select); coding-DNA position 2275, G replaced by C.
Protein change: p.Gly759Arg; replaces glycine 759 with arginine.
Molecular consequence: missense variant. On other transcripts: intron variant (9).
Genome position (GRCh38, 1-based): chr10:20,814,010, C>G on the plus strand (G>C on the coding strand, the complement: NEBL is on the minus strand). VCF-style: chr10-20814010-C-G. GRCh37 (hg19) VCF-style: chr10-21102939-C-G.
Other names: c.250-1070G>C (NM_001377326.1, NM_001377327.1, NM_001377328.1); c.358-1070G>C (NM_213569.2, NM_001173484.2, NM_001377322.1); c.301-1070G>C (NM_001377324.1); c.292-1070G>C (NM_001377325.1); c.310-1070G>C (NM_001377323.1); short protein forms G759R.
Identifiers: ClinVar variation 2885524 (VCV002885524.4), dbSNP rs148179937, ClinGen allele CA5432535.